The following is an entry in ClinVar:

ClinVar aggregate classification (germline): Uncertain significance. Review status: criteria provided, single submitter (1 of 4 stars). 2 submissions from 2 submitters: Uncertain significance (1). 1 of the submissions does not count toward it. Last evaluated 2022-07-25.

Conditions:
DVL3-related disorder. Also called: DVL3-related condition.

Allele frequency attached by ClinVar (database versions not stated): gnomAD exomes 0.00002 and 0.00003; ExAC 0.00003; gnomAD 0.00006 and 0.00007; TOPMed 0.00011; ESP Exome Variant Server 0.00015; 1000 Genomes Project 30x 0.00016; 1000 Genomes Project 0.00020.
gnomAD v4.1: 32 of 1,613,954 alleles (0.002%); highest among the groups gnomAD compares: African/African-American, 0.036%; no homozygotes.

Submissions (2):

Labcorp Genetics (formerly Invitae), Labcorp
Classification: Uncertain significance. Last evaluated: 2022-07-25. Review status: criteria provided, single submitter. Criteria: Invitae Variant Classification Sherloc (09022015). Collection method: clinical testing. Allele origin: germline.
Comment: This variant has not been reported in the literature in individuals affected with DVL3-related conditions. In summary, the available evidence is currently insufficient to determine the role of this variant in disease. Therefore, it has been classified as a Variant of Uncertain Significance. Variants that disrupt the consensus splice site are a relatively common cause of aberrant splicing (PMID: 17576681, 9536098). Algorithms developed to predict the effect of sequence changes on RNA splicing suggest that this variant is not likely to affect RNA splicing. ClinVar contains an entry for this variant (Variation ID: 1403397). This variant is present in population databases (rs202033633, gnomAD 0.04%). This sequence change falls in intron 6 of the DVL3 gene. It does not directly change the encoded amino acid sequence of the DVL3 protein. It affects a nucleotide within the consensus splice site.

PreventionGenetics, part of Exact Sciences
Classification: Likely benign for DVL3-related condition. Last evaluated: 2019-02-23. Review status: no assertion criteria provided. Collection method: clinical testing. Allele origin: germline. Not counted in ClinVar's aggregate classification.
Comment: This variant is classified as likely benign based on ACMG/AMP sequence variant interpretation guidelines (Richards et al. 2015 PMID: 25741868, with internal and published modifications).

Literature cited by the submitters: PubMed 17576681 (cited by Labcorp Genetics (formerly Invitae), Labcorp); PubMed 9536098 (cited by Labcorp Genetics (formerly Invitae), Labcorp).

NM_004423.4(DVL3):c.694-3C>T

Gene: DVL3 (dishevelled segment polarity protein 3; plus strand). Cytogenetic location: 3q27.1.
Variant type: single nucleotide variant.
Coding change: c.694-3C>T on transcript NM_004423.4 (MANE Select); 3 bases into the intron before coding-DNA position 694, C replaced by T.
Molecular consequence: intron variant.
Genome position (GRCh38, 1-based): chr3:184,165,419, C>T. VCF-style: chr3-184165419-C-T. GRCh37 (hg19) VCF-style: chr3-183883207-C-T.
Other names: c.694-3C>T (NM_004423.3).
Identifiers: ClinVar variation 1403397 (VCV001403397.8), dbSNP rs202033633, ClinGen allele CA2727211.